The following is an entry in ClinVar:

NM_080680.3(COL11A2):c.2365A>T (p.Met789Leu)

Gene: COL11A2 (collagen type XI alpha 2 chain; minus strand). Cytogenetic location: 6p21.32.
Variant type: single nucleotide variant.
Coding change: c.2365A>T on transcript NM_080680.3 (MANE Select); coding-DNA position 2365, A replaced by T.
Protein change: p.Met789Leu; replaces methionine 789 with leucine.
Molecular consequence: missense variant.
Genome position (GRCh38, 1-based): chr6:33,175,585, T>A on the plus strand (A>T on the coding strand, the complement: COL11A2 is on the minus strand). VCF-style: chr6-33175585-T-A. GRCh37 (hg19) VCF-style: chr6-33143362-T-A.
Other names: c.2044A>T, p.Met682Leu (NM_080679.3); c.2107A>T, p.Met703Leu (NM_080681.3); short protein forms M682L, M703L, M789L.
Identifiers: ClinVar variation 1312665 (VCV001312665.5), dbSNP rs757671138, ClinGen allele CA3750945.

ClinVar aggregate classification (germline): Uncertain significance. Review status: criteria provided, multiple submitters, no conflicts (2 of 4 stars). 2 submissions from 2 submitters: Uncertain significance (2). Last evaluated 2023-02-23.

Allele frequency attached by ClinVar (database versions not stated): ExAC 0.00001; gnomAD exomes 0.00001.
gnomAD v4.1: 2 of 1,612,848 alleles (0.00012%); highest among the groups gnomAD compares: Non-Finnish European, 0.00017%; no homozygotes.

Submissions (2):

Labcorp Genetics (formerly Invitae), Labcorp
Classification: Uncertain significance. Last evaluated: 2023-02-23. Review status: criteria provided, single submitter. Criteria: Invitae Variant Classification Sherloc (09022015). Collection method: clinical testing. Allele origin: germline.
Comment: In summary, the available evidence is currently insufficient to determine the role of this variant in disease. Therefore, it has been classified as a Variant of Uncertain Significance. Advanced modeling of protein sequence and biophysical properties (such as structural, functional, and spatial information, amino acid conservation, physicochemical variation, residue mobility, and thermodynamic stability) performed at Invitae indicates that this missense variant is not expected to disrupt COL11A2 protein function. ClinVar contains an entry for this variant (Variation ID: 1312665). This variant has not been reported in the literature in individuals affected with COL11A2-related conditions. This variant is present in population databases (rs757671138, gnomAD 0.002%). This sequence change replaces methionine, which is neutral and non-polar, with leucine, which is neutral and non-polar, at codon 789 of the COL11A2 protein (p.Met789Leu).

GeneDx
Classification: Uncertain significance. Last evaluated: 2020-05-29. Review status: criteria provided, single submitter. Criteria: GeneDx Variant Classification Process June 2021. Collection method: clinical testing. Allele origin: germline. Affected: yes.
Comment: Has not been previously published as pathogenic or benign to our knowledge; Not observed at a significant frequency in large population cohorts (Lek et al., 2016); In silico analysis supports that this missense variant does not alter protein structure/function